The following is an entry in ClinVar:

ClinVar aggregate classification (germline): Uncertain significance (1 of 4 stars; one submission).

Submission:

Labcorp Genetics (formerly Invitae), Labcorp
Classification: Uncertain significance. Last evaluated: 2022-01-12. Review status: criteria provided, single submitter. Criteria: Invitae Variant Classification Sherloc (09022015). Collection method: clinical testing. Allele origin: germline.
Comment: In summary, the available evidence is currently insufficient to determine the role of this variant in disease. Therefore, it has been classified as a Variant of Uncertain Significance. Algorithms developed to predict the effect of missense changes on protein structure and function output the following: SIFT: "Tolerated"; PolyPhen-2: "Possibly Damaging"; Align-GVGD: "Class C0". The proline amino acid residue is found in multiple mammalian species, which suggests that this missense change does not adversely affect protein function. This variant has not been reported in the literature in individuals affected with ARSG-related conditions. This variant is not present in population databases (gnomAD no frequency). This sequence change replaces alanine, which is neutral and non-polar, with proline, which is neutral and non-polar, at codon 525 of the ARSG protein (p.Ala525Pro).

NM_001267727.2(ARSG):c.1573G>C (p.Ala525Pro)

Genes: ARSG (arylsulfatase G; plus strand), PRKAR1A (protein kinase cAMP-dependent type I regulatory subunit alpha; plus strand). Cytogenetic location: 17q24.2.
Variant type: single nucleotide variant.
Coding change: c.1573G>C on transcript NM_001267727.2 (MANE Select); coding-DNA position 1573, G replaced by C.
Protein change: p.Ala525Pro; replaces alanine 525 with proline.
Molecular consequence: missense variant. On other transcripts: intron variant (3).
Genome position (GRCh38, 1-based): chr17:68,420,458, G>C. VCF-style: chr17-68420458-G-C. GRCh37 (hg19) VCF-style: chr17-66416599-G-C.
Other names: c.1573G>C, p.Ala525Pro (NM_001352899.2, NM_001352900.2, NM_001352901.2 and 2 more transcripts); c.1570G>C, p.Ala524Pro (NM_001352903.2, NM_001352904.2, NM_001352905.2 and 2 more transcripts); c.1303+19008G>C (NM_001352910.2); c.1255+19008G>C (NM_001352909.2); c.-7+6663G>C (NM_001278433.2); short protein forms A525P, A524P.
Identifiers: ClinVar variation 2081302 (VCV002081302.4), dbSNP rs1214710312, ClinGen allele CA400749408.